The following is an entry in ClinVar:

ClinVar aggregate classification (germline): Benign. Review status: criteria provided, multiple submitters, no conflicts (2 of 4 stars). 4 submissions from 4 submitters: Benign (4). Last evaluated 2026-01-26.

Conditions:
Familial acute necrotizing encephalopathy (IIAE3). Also called: ENCEPHALOPATHY, ACUTE, INFECTION-INDUCED, SUSCEPTIBILITY TO, 3; Susceptibility to Acute Necrotizing Encephalopathy 1. Identifiers: Orphanet 88619, MedGen C2675556, MONDO:0011953, OMIM 608033.

Allele frequency attached by ClinVar (database versions not stated): gnomAD exomes 0.00509 and 0.01273; ExAC 0.01502; gnomAD 0.04585 and 0.04909; ESP Exome Variant Server 0.05090; 1000 Genomes Project 0.05092; TOPMed 0.05197; 1000 Genomes Project 30x 0.05497.
gnomAD v4.1: 14,792 of 1,612,026 alleles (0.92%); highest among the groups gnomAD compares: African/African-American, 16%; 994 homozygotes.

Submissions (4):

Labcorp Genetics (formerly Invitae), Labcorp
Classification: Benign for Familial acute necrotizing encephalopathy. Last evaluated: 2026-01-26. Review status: criteria provided, single submitter. Criteria: Invitae Variant Classification Sherloc (09022015). Collection method: clinical testing. Allele origin: germline.

Mayo Clinic Laboratories, Mayo Clinic
Classification: Benign. Last evaluated: 2022-06-19. Review status: criteria provided, single submitter. Criteria: ACMG Guidelines, 2015. Collection method: clinical testing. Allele origin: germline. Observed: 18 variant alleles.

GeneDx
Classification: Benign. Last evaluated: 2016-01-28. Review status: criteria provided, single submitter. Criteria: GeneDx Variant Classification (06012015). Collection method: clinical testing. Allele origin: germline. Affected: yes.
Comment: This variant is considered likely benign or benign based on one or more of the following criteria: it is a conservative change, it occurs at a poorly conserved position in the protein, it is predicted to be benign by multiple in silico algorithms, and/or has population frequency not consistent with disease.

Breakthrough Genomics
Classification: Benign. Review status: criteria provided, single submitter. Criteria: ACMG Guidelines, 2015. Collection method: not provided. Allele origin: germline. Inheritance: Autosomal dominant inheritance. Affected: yes.

NM_006267.5(RANBP2):c.9585C>T (p.Gly3195=)

Gene: RANBP2 (RAN binding protein 2; plus strand). Cytogenetic location: 2q13.
Variant type: single nucleotide variant.
Coding change: c.9585C>T on transcript NM_006267.5 (MANE Select); coding-DNA position 9585, C replaced by T.
Protein change: p.Gly3195=; no amino-acid change (glycine 3195 retained).
Molecular consequence: synonymous variant.
Genome position (GRCh38, 1-based): chr2:108,783,811, C>T. VCF-style: chr2-108783811-C-T. GRCh37 (hg19) VCF-style: chr2-109400267-C-T.
Other names: p.Gly3195=.
Identifiers: ClinVar variation 380107 (VCV000380107.13), dbSNP rs10185197, ClinGen allele CA1824048.